The following is an entry in ClinVar:

NM_172350.3(CD46):c.973+516_973+518del

Gene: CD46 (CD46 molecule; plus strand). Cytogenetic location: 1q32.2.
Variant type: Microsatellite.
Coding change: c.973+516_973+518del on transcript NM_172350.3; bases 516 to 518 of the intron after coding-DNA position 973, 3 bases deleted (TTG; older notation c.973+516_973+518delTTG).
Molecular consequence: intron variant.
Genome position (GRCh38, 1-based): chr1:207,785,622-207,785,624, TTG deleted; deleting any 3 consecutive bases within chr1:207,785,618-207,785,624 gives the same sequence; the c. name uses the placement nearest the transcript's 3' end. VCF-style (leftmost placement, unchanged base first): chr1-207785617-AGTT-A. GRCh37 (hg19) VCF-style: chr1-207958962-AGTT-A.
Other names: c.1019-34_1019-32del (NM_172358.3).
Identifiers: ClinVar variation 4730937 (VCV004730937.1).

ClinVar aggregate classification (germline): Uncertain significance (1 of 4 stars; one submission).

Submission:

Labcorp Genetics (formerly Invitae), Labcorp
Classification: Uncertain significance. Last evaluated: 2025-11-18. Review status: criteria provided, single submitter. Criteria: Invitae Variant Classification Sherloc (09022015). Collection method: clinical testing. Allele origin: germline.
Comment: This variant, c.1067_1069del, results in the deletion of 1 amino acid(s) of the CD46 protein (p.Val356del), but otherwise preserves the integrity of the reading frame. This variant is not present in population databases (gnomAD no frequency). This variant has not been reported in the literature in individuals affected with CD46-related conditions. Experimental studies and prediction algorithms are not available or were not evaluated, and the functional significance of this variant is currently unknown. Algorithms developed to predict the effect of sequence changes on RNA splicing suggest that this variant may disrupt the consensus splice site. In summary, the available evidence is currently insufficient to determine the role of this variant in disease. Therefore, it has been classified as a Variant of Uncertain Significance.